The following is an entry in ClinVar:

NM_001903.5(CTNNA1):c.1143+5_1143+8delinsCCTC

Gene: CTNNA1 (catenin alpha 1; plus strand). Cytogenetic location: 5q31.2.
Variant type: Indel.
Coding change: c.1143+5_1143+8delinsCCTC on transcript NM_001903.5 (MANE Select); bases 5 to 8 of the intron after coding-DNA position 1143, TCTG replaced by CCTC.
Molecular consequence: intron variant.
Genome position (GRCh38, 1-based): chr5:138,886,297-138,886,300, TCTG replaced by CCTC. VCF-style: chr5-138886297-TCTG-CCTC. GRCh37 (hg19) VCF-style: chr5-138221986-TCTG-CCTC.
Other names: c.1143+5_1143+8delinsCCTC (NM_001323982.2, NM_001323984.2, NM_001290307.3 and 3 more transcripts); c.774+5_774+8delinsCCTC (NM_001290310.3); c.834+5_834+8delinsCCTC (NM_001290309.3); c.33+5_33+8delinsCCTC (NM_001323996.1, NM_001323993.1, NM_001324005.1 and 18 more transcripts); c.-365+5_-365+8delinsCCTC (NM_001324007.1, NM_001324009.1, NM_001324006.1 and 1 more transcripts); c.-240+5_-240+8delinsCCTC (NM_001324013.1); c.-58+10700_-58+10703delinsCCTC (NM_001324012.1); c.-61+10700_-61+10703delinsCCTC (NM_001324010.1).
Identifiers: ClinVar variation 3773183 (VCV003773183.1).

ClinVar aggregate classification (germline): Benign (1 of 4 stars; one submission).

Conditions:
Hereditary diffuse gastric adenocarcinoma (HDGC). Also called: DIFFUSE GASTRIC AND LOBULAR BREAST CANCER SYNDROME. Identifiers: Orphanet 26106, MedGen C1708349, MONDO:0007648, OMIM 137215.

Submission:

Myriad Genetics, Inc.
Classification: Benign for Hereditary diffuse gastric adenocarcinoma. Last evaluated: 2024-10-10. Review status: criteria provided, single submitter. Criteria: Myriad Autosomal Dominant, Autosomal Recessive and X-Linked Classification Criteria (2023). Collection method: clinical testing. Allele origin: unknown.
Comment: This variant is considered benign. This variant is intronic and is not expected to impact mRNA splicing. This variant has been observed at a population frequency that is significantly greater than expected given the associated disease prevalence and penetrance. Homozygosity has been confirmed in one or more individuals. As homozygosity for pathogenic variants in this gene is generally assumed to result in embryonic lethality, this variant is unlikely to be pathogenic.